The following is an entry in ClinVar:

ClinVar aggregate classification (germline): Uncertain significance. Review status: criteria provided, multiple submitters, no conflicts (2 of 4 stars). 3 submissions from 3 submitters: Uncertain significance (3). Last evaluated 2026-05-05.

Conditions:
Inborn genetic diseases. Identifiers: MedGen C0950123, MeSH D030342.

Allele frequency attached by ClinVar (database versions not stated): ExAC 0.00001.
gnomAD v4.1: 16 of 1,613,016 alleles (0.00099%); highest among the groups gnomAD compares: Non-Finnish European, 0.0014%; no homozygotes.

Submissions (3):

Ambry Genetics
Classification: Uncertain significance for Inborn genetic diseases. Last evaluated: 2026-05-05. Review status: criteria provided, single submitter. Criteria: Ambry Variant Classification Scheme 2023. Collection method: clinical testing. Allele origin: germline.
Comment: The c.1495G>T (p.D499Y) alteration is located in exon 13 (coding exon 11) of the SETD5 gene. This alteration results from a G to T substitution at nucleotide position 1495, causing the aspartic acid (D) at amino acid position 499 to be replaced by a tyrosine (Y). Based on data from gnomAD, the T allele has an overall frequency of <0.001% (1/248668) total alleles studied. The highest observed frequency was 0.001% (1/112674) of European (non-Finnish) alleles. Based on insufficient or conflicting evidence, the clinical significance of this alteration remains unclear.

GeneDx
Classification: Uncertain significance. Last evaluated: 2025-05-20. Review status: criteria provided, single submitter. Criteria: GeneDx Variant Classification Process June 2021. Collection method: clinical testing. Allele origin: germline. Affected: yes.
Comment: Not observed at significant frequency in large population cohorts (gnomAD); In silico analysis suggests that this missense variant does not alter protein structure/function; Has not been previously published as pathogenic or benign to our knowledge

Labcorp Genetics (formerly Invitae), Labcorp
Classification: Uncertain significance. Last evaluated: 2023-08-14. Review status: criteria provided, single submitter. Criteria: Invitae Variant Classification Sherloc (09022015). Collection method: clinical testing. Allele origin: germline.
Comment: This variant has not been reported in the literature in individuals affected with SETD5-related conditions. In summary, the available evidence is currently insufficient to determine the role of this variant in disease. Therefore, it has been classified as a Variant of Uncertain Significance. Advanced modeling of protein sequence and biophysical properties (such as structural, functional, and spatial information, amino acid conservation, physicochemical variation, residue mobility, and thermodynamic stability) performed at Invitae indicates that this missense variant is not expected to disrupt SETD5 protein function. This variant is present in population databases (rs777715927, gnomAD 0.0009%). This sequence change replaces aspartic acid, which is acidic and polar, with tyrosine, which is neutral and polar, at codon 499 of the SETD5 protein (p.Asp499Tyr).

NM_001080517.3(SETD5):c.1495G>T (p.Asp499Tyr)

Gene: SETD5 (SET domain containing 5; plus strand). Cytogenetic location: 3p25.3.
Variant type: single nucleotide variant.
Coding change: c.1495G>T on transcript NM_001080517.3 (MANE Select); coding-DNA position 1495, G replaced by T.
Protein change: p.Asp499Tyr; replaces aspartic acid 499 with tyrosine.
Molecular consequence: missense variant.
Genome position (GRCh38, 1-based): chr3:9,445,711, G>T. VCF-style: chr3-9445711-G-T. GRCh37 (hg19) VCF-style: chr3-9487395-G-T.
Other names: c.1201G>T, p.Asp401Tyr (NM_001292043.2, NM_001349451.2); c.1495G>T (NM_001080517.1); short protein forms D401Y, D499Y.
Identifiers: ClinVar variation 2960707 (VCV002960707.5), dbSNP rs777715927, ClinGen allele CA2239198.